The following is an entry in ClinVar:

NM_182641.4(BPTF):c.5861T>C (p.Ile1954Thr)

Gene: BPTF (bromodomain PHD finger transcription factor; plus strand). Cytogenetic location: 17q24.2.
Variant type: single nucleotide variant.
Coding change: c.5861T>C on transcript NM_182641.4 (MANE Select); coding-DNA position 5861, T replaced by C.
Protein change: p.Ile1954Thr; replaces isoleucine 1954 with threonine.
Molecular consequence: missense variant.
Genome position (GRCh38, 1-based): chr17:67,928,464, T>C. VCF-style: chr17-67928464-T-C. GRCh37 (hg19) VCF-style: chr17-65924580-T-C.
Other names: c.6050T>C, p.Ile2017Thr (NM_001439139.1, NM_001439141.1, NM_001439143.1 and 1 more transcripts); c.6239T>C, p.Ile2080Thr (NM_001439140.1, NM_001439142.1, NM_004459.7); short protein forms I2080T, I1954T, I2017T.
Identifiers: ClinVar variation 4711139 (VCV004711139.1).

ClinVar aggregate classification (germline): Uncertain significance (1 of 4 stars; one submission).

Submission:

Labcorp Genetics (formerly Invitae), Labcorp
Classification: Uncertain significance. Last evaluated: 2025-03-19. Review status: criteria provided, single submitter. Criteria: Invitae Variant Classification Sherloc (09022015). Collection method: clinical testing. Allele origin: germline.
Comment: This sequence change replaces isoleucine, which is neutral and non-polar, with threonine, which is neutral and polar, at codon 2080 of the BPTF protein (p.Ile2080Thr). This variant is not present in population databases (gnomAD no frequency). This variant has not been reported in the literature in individuals affected with BPTF-related conditions. An algorithm developed to predict the effect of missense changes on protein structure and function (PolyPhen-2) suggests that this variant is likely to be disruptive. In summary, the available evidence is currently insufficient to determine the role of this variant in disease. Therefore, it has been classified as a Variant of Uncertain Significance.